The following is an entry in ClinVar:

NM_001365951.3(KIF1B):c.5008G>A (p.Val1670Ile)

Gene: KIF1B (kinesin family member 1B; plus strand). Cytogenetic location: 1p36.22.
Variant type: single nucleotide variant.
Coding change: c.5008G>A on transcript NM_001365951.3 (MANE Select); coding-DNA position 5008, G replaced by A.
Protein change: p.Val1670Ile; replaces valine 1670 with isoleucine.
Molecular consequence: missense variant.
Genome position (GRCh38, 1-based): chr1:10,374,377, G>A. VCF-style: chr1-10374377-G-A. GRCh37 (hg19) VCF-style: chr1-10434435-G-A.
Other names: c.5008G>A, p.Val1670Ile (NM_001365952.1); c.4870G>A, p.Val1624Ile (NM_015074.3); short protein forms V1670I, V1624I.
Identifiers: ClinVar variation 939842 (VCV000939842.12), dbSNP rs745444286, ClinGen allele CA582243.

ClinVar aggregate classification (germline): Uncertain significance. Review status: criteria provided, multiple submitters, no conflicts (2 of 4 stars). 2 submissions from 2 submitters: Uncertain significance (2). Last evaluated 2025-06-25.

Conditions:
Charcot-Marie-Tooth disease type 2. Also called: Charcot-Marie-Tooth type 2. Identifiers: Orphanet 64746, MedGen C0270914, MONDO:0018993.

Allele frequency attached by ClinVar (database versions not stated): ExAC 0.00001; TOPMed 0.00001; gnomAD exomes 0.00001.
gnomAD v4.1: 4 of 1,614,136 alleles (0.00025%); highest among the groups gnomAD compares: South Asian, 0.0022%; no homozygotes.

Submissions (2):

Ambry Genetics
Classification: Uncertain significance. Last evaluated: 2025-06-25. Review status: criteria provided, single submitter. Criteria: Ambry Variant Classification Scheme 2023. Collection method: clinical testing. Allele origin: germline.
Comment: The p.V1624I variant (also known as c.4870G>A), located in coding exon 43 of the KIF1B gene, results from a G to A substitution at nucleotide position 4870. The valine at codon 1624 is replaced by isoleucine, an amino acid with highly similar properties. This amino acid position is conserved. In addition, this alteration is predicted to be tolerated by in silico analysis. Since supporting evidence is limited at this time, the clinical significance of this alteration remains unclear.

Labcorp Genetics (formerly Invitae), Labcorp
Classification: Uncertain significance for Charcot-Marie-Tooth disease type 2. Last evaluated: 2022-11-08. Review status: criteria provided, single submitter. Criteria: Invitae Variant Classification Sherloc (09022015). Collection method: clinical testing. Allele origin: germline.
Comment: This sequence change replaces valine, which is neutral and non-polar, with isoleucine, which is neutral and non-polar, at codon 1624 of the KIF1B protein (p.Val1624Ile). In summary, the available evidence is currently insufficient to determine the role of this variant in disease. Therefore, it has been classified as a Variant of Uncertain Significance. Algorithms developed to predict the effect of missense changes on protein structure and function output the following: SIFT: "Tolerated"; PolyPhen-2: "Benign"; Align-GVGD: "Class C0". The isoleucine amino acid residue is found in multiple mammalian species, which suggests that this missense change does not adversely affect protein function. ClinVar contains an entry for this variant (Variation ID: 939842). This variant has not been reported in the literature in individuals affected with KIF1B-related conditions. This variant is present in population databases (rs745444286, gnomAD 0.003%).